The following is an entry in ClinVar:

NM_002439.5(MSH3):c.596A>G (p.Asp199Gly)

Gene: MSH3 (mutS homolog 3; plus strand). Cytogenetic location: 5q14.1.
Variant type: single nucleotide variant.
Coding change: c.596A>G on transcript NM_002439.5 (MANE Select); coding-DNA position 596, A replaced by G.
Protein change: p.Asp199Gly; replaces aspartic acid 199 with glycine.
Molecular consequence: missense variant.
Genome position (GRCh38, 1-based): chr5:80,670,113, A>G. VCF-style: chr5-80670113-A-G. GRCh37 (hg19) VCF-style: chr5-79965932-A-G.
Other names: short protein forms D199G.
Identifiers: ClinVar variation 663868 (VCV000663868.8), dbSNP rs1580550117, ClinGen allele CA360265904.
Genomic context (GRCh38, chr5:80,670,113, plus strand): 5'-TGTGGTTAATATTTTTAAAACTTTATACATCTTTTGGTTGCCAGGACACAACACTTTTTG[A>G]TCTCAGTCAGTTTGGATCATCAAATACAAGTCATGAAAATTTACAGAAAACTGCTTCCAA-3'
Protein context (NP_002430.3, residues 189-209): QINQKDTTLF[Asp199Gly]LSQFGSSNTS

ClinVar aggregate classification (germline): Uncertain significance (1 of 4 stars; one submission).

Submission:

Labcorp Genetics (formerly Invitae), Labcorp
Classification: Uncertain significance. Last evaluated: 2018-07-12. Review status: criteria provided, single submitter. Criteria: Invitae Variant Classification Sherloc (09022015). Collection method: clinical testing. Allele origin: germline.
Comment: In summary, the available evidence is currently insufficient to determine the role of this variant in disease. Therefore, it has been classified as a Variant of Uncertain Significance. Algorithms developed to predict the effect of missense changes on protein structure and function output the following: SIFT: "Tolerated"; PolyPhen-2: "Benign"; Align-GVGD: "Class C0". The glycine amino acid residue is found in multiple mammalian species, suggesting that this missense change does not adversely affect protein function. These predictions have not been confirmed by published functional studies and their clinical significance is uncertain. This variant has not been reported in the literature in individuals with MSH3-related disease. This variant is not present in population databases (ExAC no frequency). This sequence change replaces aspartic acid with glycine at codon 199 of the MSH3 protein (p.Asp199Gly). The aspartic acid residue is weakly conserved and there is a moderate physicochemical difference between aspartic acid and glycine.